The following is an entry in ClinVar:

NM_000135.4(FANCA):c.3021_3027del (p.Phe1008fs)

Gene: FANCA (FA complementation group A; minus strand). Cytogenetic location: 16q24.3.
Variant type: Deletion.
Coding change: c.3021_3027del on transcript NM_000135.4 (MANE Select); coding-DNA positions 3021 to 3027, 7 bases deleted (CTTTGGT; older notation c.3021_3027delCTTTGGT).
Protein change: p.Phe1008fs; shifts the reading frame from phenylalanine 1008.
Molecular consequence: frameshift variant.
Genome position (GRCh38, 1-based): chr16:89,752,177-89,752,183, ACCAAAG deleted on the plus strand (CTTTGGT on the coding strand, the reverse complement: FANCA is on the minus strand); deleting any 7 consecutive bases within chr16:89,752,177-89,752,189 gives the same sequence; the c. name uses the placement nearest the transcript's 3' end. VCF-style (leftmost placement, unchanged base first): chr16-89752176-CACCAAAG-C. GRCh37 (hg19) VCF-style: chr16-89818584-CACCAAAG-C.
Other names: c.3021_3027del, p.Phe1008fs (NM_001286167.3); short protein forms F1008fs.
Identifiers: ClinVar variation 974159 (VCV000974159.1), dbSNP rs2038617702, ClinGen allele CA1139665039.

ClinVar aggregate classification (germline): Pathogenic (0 of 4 stars; one submission).

Conditions:
Fanconi anemia complementation group A (FANCA). Also called: Fanconi anemia, group A; FANCA-Related Fanconi Anemia. Identifiers: Orphanet 84, MedGen C3469521, MONDO:0009215, OMIM 227650.

Submission:

Leiden Open Variation Database
Classification: Pathogenic for Fanconi anemia complementation group A. Last evaluated: 2020-02-28. Review status: no assertion criteria provided. Collection method: curation. Allele origin: germline. Affected: yes.
Comment: Curator: Arleen D. Auerbach. Submitter to LOVD: Johan de Winter.

Literature cited by the submitters: PubMed 17924555.